The following is an entry in ClinVar:

NM_001323289.2(CDKL5):c.1755_1756del (p.Ser586fs)

Gene: CDKL5 (cyclin dependent kinase like 5; plus strand). Cytogenetic location: Xp22.13.
Variant type: Deletion.
Coding change: c.1755_1756del on transcript NM_001323289.2 (MANE Select); coding-DNA positions 1755 to 1756, 2 bases deleted (GT; older notation c.1755_1756delGT).
Protein change: p.Ser586fs; shifts the reading frame from serine 586.
Molecular consequence: frameshift variant.
Genome position (GRCh38, 1-based): chrX:18,604,679-18,604,680, GT deleted; deleting any 2 consecutive bases within chrX:18,604,678-18,604,680 gives the same sequence; the c. name uses the placement nearest the transcript's 3' end. VCF-style (leftmost placement, unchanged base first): chrX-18604677-CTG-C. GRCh37 (hg19) VCF-style: chrX-18622797-CTG-C.
Other names: c.1755_1756del, p.Ser586fs (NM_001037343.2, NM_003159.3); short protein forms S586fs.
Identifiers: ClinVar variation 856634 (VCV000856634.10), dbSNP rs1926298521, ClinGen allele CA916083843.

ClinVar aggregate classification (germline): Pathogenic (1 of 4 stars; one submission).

Conditions:
Developmental and epileptic encephalopathy, 2 (DEE2). Also called: INFANTILE SPASM SYNDROME, X-LINKED 2; CDKL5 deficiency disorder. Identifiers: Orphanet 1934, Orphanet 3451, Orphanet 505652, MedGen C4750718, MONDO:0010396, OMIM 300672.
Angelman syndrome-like. Identifiers: MedGen CN128785.

Submission:

Labcorp Genetics (formerly Invitae), Labcorp
Classification: Pathogenic for Developmental and epileptic encephalopathy, 2; Angelman syndrome-like. Last evaluated: 2019-12-20. Review status: criteria provided, single submitter. Criteria: Invitae Variant Classification Sherloc (09022015). Collection method: clinical testing. Allele origin: germline.
Comment: For these reasons, this variant has been classified as Pathogenic. Loss-of-function variants in CDKL5 are known to be pathogenic (PMID: 22872100). This variant has not been reported in the literature in individuals with CDKL5-related conditions. This variant is not present in population databases (ExAC no frequency). This sequence change creates a premature translational stop signal (p.Ser586Cysfs*24) in the CDKL5 gene. It is expected to result in an absent or disrupted protein product.

Literature cited by the submitters: PubMed 22872100.